The following is an entry in ClinVar:

ClinVar aggregate classification (germline): Uncertain significance (1 of 4 stars; one submission).

Conditions:
Larsen-like syndrome, B3GAT3 type. Also called: Multiple joint dislocations, short stature, craniofacial dysmorphism, with or without congenital heart defects; MULTIPLE JOINT DISLOCATIONS, SHORT STATURE, AND CRANIOFACIAL DYSMORPHISM WITH OR WITHOUT CONGENITAL HEART DEFECTS. Identifiers: Orphanet 284139, MedGen CN034159, MONDO:0009511, OMIM 245600.

Submission:

Labcorp Genetics (formerly Invitae), Labcorp
Classification: Uncertain significance for Larsen-like syndrome, B3GAT3 type. Last evaluated: 2022-08-16. Review status: criteria provided, single submitter. Criteria: Invitae Variant Classification Sherloc (09022015). Collection method: clinical testing. Allele origin: germline.
Comment: In summary, the available evidence is currently insufficient to determine the role of this variant in disease. Therefore, it has been classified as a Variant of Uncertain Significance. Algorithms developed to predict the effect of missense changes on protein structure and function are either unavailable or do not agree on the potential impact of this missense change (SIFT: "Deleterious"; PolyPhen-2: "Benign"; Align-GVGD: "Class C0"). This variant has not been reported in the literature in individuals affected with B3GAT3-related conditions. This variant is not present in population databases (gnomAD no frequency). This sequence change replaces methionine, which is neutral and non-polar, with arginine, which is basic and polar, at codon 316 of the B3GAT3 protein (p.Met316Arg).

NM_012200.4(B3GAT3):c.947T>G (p.Met316Arg)

Gene: B3GAT3 (beta-1,3-glucuronyltransferase 3; minus strand). Cytogenetic location: 11q12.3.
Variant type: single nucleotide variant.
Coding change: c.947T>G on transcript NM_012200.4 (MANE Select); coding-DNA position 947, T replaced by G.
Protein change: p.Met316Arg; replaces methionine 316 with arginine.
Molecular consequence: missense variant. On other transcripts: non-coding transcript variant (1), 3 prime UTR variant (2).
Genome position (GRCh38, 1-based): chr11:62,615,762, A>C on the plus strand (T>G on the coding strand, the complement: B3GAT3 is on the minus strand). VCF-style: chr11-62615762-A-C. GRCh37 (hg19) VCF-style: chr11-62383234-A-C.
Other names: c.926T>G, p.Met309Arg (NM_001288721.2); c.*424T>G (NM_001288722.2); c.*440T>G (NM_001288723.2); short protein forms M309R, M316R.
Identifiers: ClinVar variation 1976374 (VCV001976374.5), dbSNP rs2496231760, ClinGen allele CA380974089.